The following is an entry in ClinVar:

NM_001142800.2(EYS):c.7549G>A (p.Gly2517Ser)

Gene: EYS (EGF-like photoreceptor maintenance factor; minus strand). Cytogenetic location: 6q12.
Variant type: single nucleotide variant.
Coding change: c.7549G>A on transcript NM_001142800.2 (MANE Select); coding-DNA position 7549, G replaced by A.
Protein change: p.Gly2517Ser; replaces glycine 2517 with serine.
Molecular consequence: missense variant.
Genome position (GRCh38, 1-based): chr6:63,789,087, C>T on the plus strand (G>A on the coding strand, the complement: EYS is on the minus strand). VCF-style: chr6-63789087-C-T. GRCh37 (hg19) VCF-style: chr6-64498980-C-T.
Other names: c.7549G>A, p.Gly2517Ser (NM_001292009.2); c.7549G>A (NM_001142800.1); short protein forms G2517S.
Identifiers: ClinVar variation 1470433 (VCV001470433.4), dbSNP rs199754359, ClinGen allele CA140244032.
Genomic context (GRCh38, chr6:63,789,087, plus strand): 5'-TTGTGGAAGTGACGAAGGAATGACTCTTTACCTTCAGCCAGCCCTCTTGGAAGAACTTGC[C>T]CAGATGAACAGTGTGGACTCCAAGGCTCAGATTGAGGGGCTCGCTCCTGATGCTTGCTAT-3'
Protein context (NP_001136272.1, residues 2507-2527): LSLGVHTVHL[Gly2517Ser]KFFQEGWLKV

ClinVar aggregate classification (germline): Uncertain significance. Review status: criteria provided, multiple submitters, no conflicts (2 of 4 stars). 2 submissions from 2 submitters: Uncertain significance (2). Last evaluated 2025-10-01.

Conditions:
Inborn genetic diseases. Identifiers: MedGen C0950123, MeSH D030342.

Allele frequency attached by ClinVar (database versions not stated): gnomAD exomes 0.00001.
gnomAD v4.1: 11 of 1,551,498 alleles (0.00071%); highest among the groups gnomAD compares: Non-Finnish European, 0.00096%; no homozygotes.

Submissions (2):

Ambry Genetics
Classification: Uncertain significance for Inborn genetic diseases. Last evaluated: 2025-10-01. Review status: criteria provided, single submitter. Criteria: Ambry Variant Classification Scheme 2023. Collection method: clinical testing. Allele origin: germline.

Labcorp Genetics (formerly Invitae), Labcorp
Classification: Uncertain significance. Last evaluated: 2022-07-25. Review status: criteria provided, single submitter. Criteria: Invitae Variant Classification Sherloc (09022015). Collection method: clinical testing. Allele origin: germline.
Comment: This sequence change replaces glycine, which is neutral and non-polar, with serine, which is neutral and polar, at codon 2517 of the EYS protein (p.Gly2517Ser). This variant is not present in population databases (gnomAD no frequency). This variant has not been reported in the literature in individuals affected with EYS-related conditions. ClinVar contains an entry for this variant (Variation ID: 1470433). Algorithms developed to predict the effect of missense changes on protein structure and function (SIFT, PolyPhen-2, Align-GVGD) all suggest that this variant is likely to be disruptive. In summary, the available evidence is currently insufficient to determine the role of this variant in disease. Therefore, it has been classified as a Variant of Uncertain Significance.